The following is an entry in ClinVar:

ClinVar aggregate classification (germline): Benign/Likely benign. Review status: criteria provided, multiple submitters, no conflicts (2 of 4 stars). 27 submissions from 25 submitters: Benign (13); Likely benign (8). 6 of the submissions do not count toward it. Last evaluated 2026-09-01.

Conditions:
MYBPC3-related disorder. Also called: MYBPC3-related disorders; MYBPC3-related condition; MYBPC3-related disease.
Left ventricular noncompaction 10 (LVNC10). Identifiers: Orphanet 154, Orphanet 54260, MedGen C3715165, MONDO:0014163, OMIM 615396.
Hypertrophic cardiomyopathy 4. Also called: Familial hypertrophic cardiomyopathy 4. Identifiers: MedGen C1861862, MONDO:0007268, OMIM 115197.
Cardiovascular phenotype. Identifiers: MedGen CN230736.
Cardiomyopathy (CMYO). Also called: Cardiomyopathies. Identifiers: Orphanet 167848, MedGen C0878544, MONDO:0004994, HP:0001638. Inheritance: Various modes of inheritance.
Primary familial hypertrophic cardiomyopathy (HCM). Identifiers: Orphanet 99739, MedGen C0949658, MeSH D024741, MONDO:0024573. Inheritance: Various modes of inheritance.
Hypertrophic cardiomyopathy. Also called: HYPERTROPHIC MYOCARDIOPATHY. Identifiers: Orphanet 217569, MedGen C0007194, MeSH D002312, MONDO:0005045, HP:0001639.

Allele frequency attached by ClinVar (database versions not stated): TOPMed 0.00346; ESP Exome Variant Server 0.00375; gnomAD 0.00577 and 0.00601; 1000 Genomes Project 0.00160; 1000 Genomes Project 30x 0.00141; gnomAD exomes 0.00574; ExAC 0.01275.
gnomAD v4.1: 8,611 of 1,553,518 alleles (0.55%); highest among the groups gnomAD compares: Non-Finnish European, 0.57%; 58 homozygotes.

Submissions 1 to 18 of 27:

CeGaT Center for Human Genetics Tuebingen
Classification: Likely benign. Last evaluated: 2026-09-01. Review status: criteria provided, single submitter. Criteria: CeGaT Center For Human Genetics Tuebingen Variant Classification Criteria Version 2. Collection method: clinical testing. Allele origin: germline. Affected: yes. Observed: 39 variant alleles.
Comment: MYBPC3: BP4, BS2

Labcorp Genetics (formerly Invitae), Labcorp
Classification: Benign for Hypertrophic cardiomyopathy. Last evaluated: 2026-02-03. Review status: criteria provided, single submitter. Criteria: Invitae Variant Classification Sherloc (09022015). Collection method: clinical testing. Allele origin: germline.

Molecular Diagnostic Laboratory for Inherited Cardiovascular Disease, Montreal Heart Institute
Classification: Likely benign. Last evaluated: 2025-04-08. Review status: criteria provided, single submitter. Criteria: ACMG Guidelines, 2015. Collection method: clinical testing. Allele origin: germline. Affected: no.

Blueprint Genetics
Classification: Likely benign. Last evaluated: 2024-11-27. Review status: criteria provided, single submitter. Criteria: ACMG Guidelines, 2015. Collection method: clinical testing. Allele origin: germline.

All of Us Research Program, National Institutes of Health
Classification: Benign for Hypertrophic cardiomyopathy. Last evaluated: 2024-10-01. Review status: criteria provided, single submitter. Criteria: ACMG Guidelines, 2015. Collection method: clinical testing. Allele origin: germline. Inheritance: Autosomal dominant inheritance. Observed: 1,417 variant alleles, 1,411 heterozygotes, 6 homozygotes.
Comment: This study involves interpretation of variants in research participants for the purpose of population health screening. Participant phenotype was not available at the time of variant classification. Additional details can be found in publication PMID: 35346344, PMCID: PMC8962531

ARUP Laboratories, Molecular Genetics and Genomics, ARUP Laboratories
Classification: Benign. Last evaluated: 2024-03-14. Review status: criteria provided, single submitter. Criteria: ARUP Molecular Germline Variant Investigation Process 2024. Collection method: clinical testing. Allele origin: germline.

Fulgent Genetics
Classification: Benign for Hypertrophic cardiomyopathy 4; Left ventricular noncompaction 10. Last evaluated: 2022-04-05. Review status: criteria provided, single submitter. Criteria: ACMG Guidelines, 2015. Collection method: clinical testing. Allele origin: unknown.

Women's Health and Genetics/Laboratory Corporation of America, LabCorp
Classification: Benign. Last evaluated: 2018-07-31. Review status: criteria provided, single submitter. Criteria: LabCorp Variant Classification Summary - May 2015. Collection method: clinical testing. Allele origin: germline.
Comment: Variant summary: MYBPC3 c.2686G>A (p.Val896Met) results in a conservative amino acid change located in the Fibronectin type III of the encoded protein sequence. Four of four in-silico tools predict a benign effect of the variant on protein function. The variant allele was found at a frequency of 0.0064 in 203838 control chromosomes in the gnomAD database, including 16 homozygotes. The observed variant frequency is more than 6-fold above the estimated maximal expected allele frequency for a pathogenic variant in MYBPC3 causing Hypertrophic Cardiomyopathy phenotype (0.001), strongly suggesting that the variant is benign. c.2686G>A has been reported in the literature in individuals affected with Hypertrophic Cardiomyopathy. These data do not allow any conclusion about variant significance. Co-occurrences with other pathogenic variants have been reported in multiple individuals tested at LCA (MYBPC3 c.2373dupG, p.Trp792fsX41; MYH7 c.428G>A, p.Arg143Gln), providing supporting evidence for a benign role. To our knowledge, no experimental evidence demonstrating an impact on protein function has been reported. Seven ClinVar submissions from other clinical diagnostic laboratories (evaluation after 2014) cite the variant as benign/likely benign. Based on the evidence outlined above, the variant was classified as benign.

Color Diagnostics, LLC DBA Color Health
Classification: Benign for Cardiomyopathy. Last evaluated: 2018-03-19. Review status: criteria provided, single submitter. Criteria: ACMG Guidelines, 2015. Collection method: clinical testing. Allele origin: germline.

Illumina Laboratory Services, Illumina
Classification: Likely benign for Hypertrophic cardiomyopathy 4. Last evaluated: 2018-03-06. Review status: criteria provided, single submitter. Criteria: ICSL Variant Classification Criteria 13 December 2019. Collection method: clinical testing. Allele origin: germline.
Comment: This variant was observed in the ICSL laboratory as part of a predisposition screen in an ostensibly healthy population. It had not been previously curated by ICSL or reported in the Human Gene Mutation Database (HGMD: prior to June 1st, 2018), and was therefore a candidate for classification through an automated scoring system. Utilizing variant allele frequency, disease prevalence and penetrance estimates, and inheritance mode, an automated score was calculated to assess if this variant is too frequent to cause the disease. Based on the score and internal cut-off values, a variant classified as likely benign is not then subjected to further curation. The score for this variant resulted in a classification of likely benign for this disease.

Illumina Laboratory Services, Illumina
Classification: Benign for Left ventricular noncompaction 10. Last evaluated: 2018-03-06. Review status: criteria provided, single submitter. Criteria: ICSL Variant Classification Criteria 13 December 2019. Collection method: clinical testing. Allele origin: germline.
Comment: This variant was observed in the ICSL laboratory as part of a predisposition screen in an ostensibly healthy population. It had not been previously curated by ICSL or reported in the Human Gene Mutation Database (HGMD: prior to June 1st, 2018), and was therefore a candidate for classification through an automated scoring system. Utilizing variant allele frequency, disease prevalence and penetrance estimates, and inheritance mode, an automated score was calculated to assess if this variant is too frequent to cause the disease. Based on the score and internal cut-off values, a variant classified as benign is not then subjected to further curation. The score for this variant resulted in a classification of benign for this disease.

Genome Diagnostics Laboratory, University Medical Center Utrecht
Classification: Likely benign for Hypertrophic cardiomyopathy 4. Last evaluated: 2017-07-28. Review status: criteria provided, single submitter. Criteria: ACGS Guidelines, 2013. Collection method: clinical testing. Allele origin: germline. Affected: yes. Study: VKGL Data-share Consensus.

Mayo Clinic Laboratories, Mayo Clinic
Classification: Benign. Last evaluated: 2016-10-07. Review status: criteria provided, single submitter. Criteria: ACMG Guidelines, 2015. Collection method: clinical testing. Allele origin: germline. Observed: 18 variant alleles.

Ambry Genetics
Classification: Benign for Cardiovascular phenotype. Last evaluated: 2016-06-06. Review status: criteria provided, single submitter. Criteria: Ambry Variant Classification Scheme 2023. Collection method: clinical testing. Allele origin: germline.

Clinical Genetics DNA and cytogenetics Diagnostics Lab, Erasmus MC, Erasmus Medical Center
Classification: Benign for Hypertrophic cardiomyopathy 4. Last evaluated: 2015-09-21. Review status: criteria provided, single submitter. Criteria: ACGS Guidelines, 2013. Collection method: clinical testing. Allele origin: germline. Affected: yes. Study: VKGL Data-share Consensus.

Laboratory for Molecular Medicine, Mass General Brigham Personalized Medicine
Classification: Benign. Last evaluated: 2015-06-25. Review status: criteria provided, single submitter. Criteria: LMM Criteria. Collection method: clinical testing. Allele origin: germline. Observed: 70 variant alleles.
Comment: p.Val896Met in exon 26 of MYBPC3: This variant is not expected to have clinical significance because it has been identified in 10% (68/690) of Finnish chromosom es by the Exome Aggregation Consortium (ExAC; db SNP rs35078470).

Eurofins Ntd Llc (ga)
Classification: Likely benign. Last evaluated: 2015-05-15. Review status: criteria provided, single submitter. Criteria: EGL Classification Definitions 2015. Collection method: clinical testing. Allele origin: germline. Observed: 3 variant alleles, 3 heterozygotes.

CSER _CC_NCGL, University of Washington
Classification: Likely benign for Hypertrophic Cardiomyopathy. Last evaluated: 2015-03-11. Review status: criteria provided, single submitter. Criteria: Amendola et al. (Genome Res. 2015). Collection method: research. Allele origin: germline. Inheritance: Autosomal dominant inheritance. Study: CSER - NEXT Medicine variant annotation.

NM_000256.3(MYBPC3):c.2686G>A (p.Val896Met)

Gene: MYBPC3 (myosin binding protein C3; minus strand). Cytogenetic location: 11p11.2.
Variant type: single nucleotide variant.
Coding change: c.2686G>A on transcript NM_000256.3 (MANE Select); coding-DNA position 2686, G replaced by A.
Protein change: p.Val896Met; replaces valine 896 with methionine.
Molecular consequence: missense variant.
Genome position (GRCh38, 1-based): chr11:47,335,928, C>T on the plus strand (G>A on the coding strand, the complement: MYBPC3 is on the minus strand). VCF-style: chr11-47335928-C-T. GRCh37 (hg19) VCF-style: chr11-47357479-C-T.
Other names: short protein forms V896M.
Identifiers: ClinVar variation 42652 (VCV000042652.86), dbSNP rs35078470, ClinGen allele CA012837.